The following is an entry in ClinVar:

NM_006766.5(KAT6A):c.1745A>G (p.Asp582Gly)

Gene: KAT6A (lysine acetyltransferase 6A; minus strand). Cytogenetic location: 8p11.21.
Variant type: single nucleotide variant.
Coding change: c.1745A>G on transcript NM_006766.5 (MANE Select); coding-DNA position 1745, A replaced by G.
Protein change: p.Asp582Gly; replaces aspartic acid 582 with glycine.
Molecular consequence: missense variant.
Genome position (GRCh38, 1-based): chr8:41,947,908, T>C on the plus strand (A>G on the coding strand, the complement: KAT6A is on the minus strand). VCF-style: chr8-41947908-T-C. GRCh37 (hg19) VCF-style: chr8-41805426-T-C.
Other names: c.1745A>G, p.Asp582Gly (NM_001305878.2); short protein forms D582G.
Identifiers: ClinVar variation 3766046 (VCV003766046.1).
Genomic context (GRCh38, chr8:41,947,908, plus strand): 5'-TCAAGAAACAACTTTGCCAAAAGACACAGGTTTTGACAATAAATGGTACTCACATTCCCA[T>C]CAACCTAGAGAAATAAACAGAACAAAACAGTCAGTAGAGGGTCTCTTTAGTTCTAGAATA-3'
Protein context (NP_006757.2, residues 572-592): RKNNISVFEV[Asp582Gly]GNVSTIYCQN

ClinVar aggregate classification (germline): Uncertain significance (1 of 4 stars; one submission).

Submission:

GeneDx
Classification: Uncertain significance. Last evaluated: 2024-09-03. Review status: criteria provided, single submitter. Criteria: GeneDx Variant Classification Process June 2021. Collection method: clinical testing. Allele origin: germline. Affected: yes.
Comment: Not observed at significant frequency in large population cohorts (gnomAD); In silico analysis supports that this missense variant has a deleterious effect on protein structure/function; Has not been previously published as pathogenic or benign to our knowledge